The following is an entry in ClinVar:

NM_000545.8(HNF1A):c.1768+1G>T

Gene: HNF1A (HNF1 homeobox A; plus strand). Cytogenetic location: 12q24.31.
Variant type: single nucleotide variant.
Coding change: c.1768+1G>T on transcript NM_000545.8 (MANE Select); the canonical splice donor site of the intron after coding-DNA position 1768, G replaced by T.
Molecular consequence: splice donor variant.
Genome position (GRCh38, 1-based): chr12:120,999,628, G>T. VCF-style: chr12-120999628-G-T. GRCh37 (hg19) VCF-style: chr12-121437431-G-T.
Other names: NM_001306179.2:c.1789+1G>T; c.1789+1G>T (NM_001306179.2); c.1576+1G>T (NM_001406915.1).
Identifiers: ClinVar variation 3338660 (VCV003338660.1).

ClinVar aggregate classification (germline): Likely pathogenic (3 of 4 stars; one submission).

Conditions:
Monogenic diabetes. Identifiers: Orphanet 183625, MedGen C3888631, MONDO:0015967.

Submission:

ClinGen Monogenic Diabetes Variant Curation Expert Panel
Classification: Likely pathogenic for Monogenic diabetes. Last evaluated: 2024-08-01. Review status: reviewed by expert panel. Criteria: ClinGen Diabetes ACMG Specifications HNF1A V2.1.0. Collection method: curation. Allele origin: germline. Inheritance: Autosomal dominant inheritance.
Comment: The c.1768+1G>T variant in the HNF1 homeobox A gene, HNF1A, is predicted to remove a canonical splice donor site in intron 9 of NM_000545.8. This variant is predicted to cause an in-frame deletion of biologically-relevant exon 9 of 10, removing more than 10% of an important region of the protein (PVS1_Strong). Additionally, the c.1768+1G>A variant at the same canonical nucleotide has been classified as pathogenic for monogenic diabetes by the ClinGen MDEP, and c.1768+1G>T has a similar or greater predicted impact by Splice AI (0.88 and 0.81) (PS1_Supporting). This variant is absent from gnomAD v2.1.1 (PM2_Supporting). This variant was identified as a de novo occurrence with confirmed parental relationships in an individual with diabetes, but whose clinical picture is not highly specific for HNF1A-MODY (MODY probability calculator result >50% and negative genetic testing for HNF4A) (PS2_Moderate; internal lab contributors). In summary, c.1768+1G>T meets the criteria to be classified as likely pathogenic for monogenic diabetes. ACMG/AMP criteria applied, as specified by the ClinGen MDEP (specification version 2.1.0, approved 8/11/2023): PVS1_Strong, PS1_Supporting, PM2_Supporting, PS2_Moderate.